The following is an entry in ClinVar:

ClinVar aggregate classification (germline): Uncertain significance (1 of 4 stars; one submission).

Allele frequency attached by ClinVar (database versions not stated): gnomAD exomes below 0.00001.

Submission:

Labcorp Genetics (formerly Invitae), Labcorp
Classification: Uncertain significance. Last evaluated: 2024-07-01. Review status: criteria provided, single submitter. Criteria: Invitae Variant Classification Sherloc (09022015). Collection method: clinical testing. Allele origin: germline.
Comment: This sequence change replaces threonine, which is neutral and polar, with alanine, which is neutral and non-polar, at codon 501 of the PPP2R1A protein (p.Thr501Ala). This variant is not present in population databases (gnomAD no frequency). This variant has not been reported in the literature in individuals affected with PPP2R1A-related conditions. Advanced modeling of protein sequence and biophysical properties (such as structural, functional, and spatial information, amino acid conservation, physicochemical variation, residue mobility, and thermodynamic stability) performed at Invitae indicates that this missense variant is not expected to disrupt PPP2R1A protein function with a negative predictive value of 80%. In summary, the available evidence is currently insufficient to determine the role of this variant in disease. Therefore, it has been classified as a Variant of Uncertain Significance.

NM_014225.6(PPP2R1A):c.1501A>G (p.Thr501Ala)

Gene: PPP2R1A (protein phosphatase 2 scaffold subunit Aalpha; plus strand). Cytogenetic location: 19q13.41.
Variant type: single nucleotide variant.
Coding change: c.1501A>G on transcript NM_014225.6 (MANE Select); coding-DNA position 1501, A replaced by G.
Protein change: p.Thr501Ala; replaces threonine 501 with alanine.
Molecular consequence: missense variant. On other transcripts: non-coding transcript variant (1).
Genome position (GRCh38, 1-based): chr19:52,221,116, A>G. VCF-style: chr19-52221116-A-G. GRCh37 (hg19) VCF-style: chr19-52724369-A-G.
Other names: c.964A>G, p.Thr322Ala (NM_001363656.2); short protein forms T322A, T501A.
Identifiers: ClinVar variation 2709340 (VCV002709340.3), dbSNP rs2514101248, ClinGen allele CA407190435.
Genomic context (GRCh38, chr19:52,221,116, plus strand): 5'-ACAATCATCCCCAAGGTCTTGGCCATGTCCGGAGACCCCAACTACCTGCACCGCATGACT[A>G]CGCTCTTCTGCATCAATGTGAGCCTTCCACCTGCCTGCTGGCCCATCCCTAGGGAACTGG-3'
Protein context (NP_055040.2, residues 491-511): GDPNYLHRMT[Thr501Ala]LFCINVLSEV